The following is an entry in ClinVar:

ClinVar aggregate classification (germline): Benign/Likely benign. Review status: criteria provided, multiple submitters, no conflicts (2 of 4 stars). 3 submissions from 3 submitters: Benign (1); Likely benign (1). 1 of the submissions does not count toward it. Last evaluated 2024-11-18.

Conditions:
BPTF-related disorder. Also called: BPTF-related condition.

Allele frequency attached by ClinVar (database versions not stated): 1000 Genomes Project 30x 0.00016; 1000 Genomes Project 0.00020; TOPMed 0.00036; gnomAD 0.00037; ESP Exome Variant Server 0.00038; gnomAD exomes 0.00052; ExAC 0.00076.
gnomAD v4.1: 815 of 1,613,680 alleles (0.051%); highest among the groups gnomAD compares: Non-Finnish European, 0.063%; 1 homozygote.

Submissions (3):

Labcorp Genetics (formerly Invitae), Labcorp
Classification: Benign. Last evaluated: 2024-11-18. Review status: criteria provided, single submitter. Criteria: Invitae Variant Classification Sherloc (09022015). Collection method: clinical testing. Allele origin: germline.

CeGaT Center for Human Genetics Tuebingen
Classification: Likely benign. Last evaluated: 2024-06-01. Review status: criteria provided, single submitter. Criteria: CeGaT Center For Human Genetics Tuebingen Variant Classification Criteria Version 2. Collection method: clinical testing. Allele origin: germline. Affected: yes. Observed: 1 variant allele.
Comment: BPTF: BP4, BP7

PreventionGenetics, part of Exact Sciences
Classification: Likely benign for BPTF-related condition. Last evaluated: 2019-05-13. Review status: no assertion criteria provided. Collection method: clinical testing. Allele origin: germline. Not counted in ClinVar's aggregate classification.
Comment: This variant is classified as likely benign based on ACMG/AMP sequence variant interpretation guidelines (Richards et al. 2015 PMID: 25741868, with internal and published modifications).

NM_182641.4(BPTF):c.5391G>A (p.Ala1797=)

Gene: BPTF (bromodomain PHD finger transcription factor; plus strand). Cytogenetic location: 17q24.2.
Variant type: single nucleotide variant.
Coding change: c.5391G>A on transcript NM_182641.4 (MANE Select); coding-DNA position 5391, G replaced by A.
Protein change: p.Ala1797=; no amino-acid change (alanine 1797 retained).
Molecular consequence: synonymous variant.
Genome position (GRCh38, 1-based): chr17:67,918,801, G>A. VCF-style: chr17-67918801-G-A. GRCh37 (hg19) VCF-style: chr17-65914917-G-A.
Other names: c.5769G>A, p.Ala1923= (NM_004459.7); c.5391G>A (NM_182641.3).
Identifiers: ClinVar variation 2045443 (VCV002045443.23), dbSNP rs137937430, ClinGen allele CA8725944.